The following is an entry in ClinVar:

ClinVar aggregate classification (germline): Uncertain significance (1 of 4 stars; one submission).

gnomAD v4.1: 28 of 1,608,468 alleles (0.0017%); highest among the groups gnomAD compares: Non-Finnish European, 0.0023%; no homozygotes.

Submission:

Labcorp Genetics (formerly Invitae), Labcorp
Classification: Uncertain significance. Last evaluated: 2023-07-17. Review status: criteria provided, single submitter. Criteria: Invitae Variant Classification Sherloc (09022015). Collection method: clinical testing. Allele origin: germline.
Comment: This variant has not been reported in the literature in individuals affected with RELB-related conditions. This variant is present in population databases (no rsID available, gnomAD 0.003%). This sequence change replaces arginine, which is basic and polar, with glycine, which is neutral and non-polar, at codon 211 of the RELB protein (p.Arg211Gly). An algorithm developed to predict the effect of missense changes on protein structure and function (PolyPhen-2) suggests that this variant is likely to be disruptive. In summary, the available evidence is currently insufficient to determine the role of this variant in disease. Therefore, it has been classified as a Variant of Uncertain Significance.

NM_006509.4(RELB):c.631C>G (p.Arg211Gly)

Gene: RELB (RELB proto-oncogene, NF-kB subunit; plus strand). Cytogenetic location: 19q13.32.
Variant type: single nucleotide variant.
Coding change: c.631C>G on transcript NM_006509.4 (MANE Select); coding-DNA position 631, C replaced by G.
Protein change: p.Arg211Gly; replaces arginine 211 with glycine.
Molecular consequence: missense variant.
Genome position (GRCh38, 1-based): chr19:45,022,179, C>G. VCF-style: chr19-45022179-C-G. GRCh37 (hg19) VCF-style: chr19-45525437-C-G.
Other names: c.622C>G, p.Arg208Gly (NM_001411087.1); short protein forms R211G, R208G.
Identifiers: ClinVar variation 2905397 (VCV002905397.3), dbSNP rs766811201, ClinGen allele CA406297385.